The following is an entry in ClinVar:

NM_000551.4(VHL):c.340+750G>C

Genes: VHL (von Hippel-Lindau tumor suppressor; plus strand), LOC107303340 (3p25 von Hippel-Lindau tumor suppressor, E3 ubiquitin protein ligase Alu-mediated recombination region; plus strand). Cytogenetic location: 3p25.3.
Variant type: single nucleotide variant.
Coding change: c.340+750G>C on transcript NM_000551.4 (MANE Select); 750 bases into the intron after coding-DNA position 340, G replaced by C.
Molecular consequence: intron variant. On other transcripts: missense variant (1).
Genome position (GRCh38, 1-based): chr3:10,142,937, G>C. VCF-style: chr3-10142937-G-C. GRCh37 (hg19) VCF-style: chr3-10184621-G-C.
Other names: c.515G>C, p.Arg172Thr (NM_001354723.2); c.340+750G>C (NM_198156.3); short protein forms R172T.
Identifiers: ClinVar variation 1010269 (VCV001010269.9), dbSNP rs751861959, ClinGen allele CA1345067475.

ClinVar aggregate classification (germline): Uncertain significance (1 of 4 stars; one submission).

Conditions:
Chuvash polycythemia. Also called: POLYCYTHEMIA, VHL-DEPENDENT. Identifiers: Orphanet 238557, MedGen C1837915, MONDO:0009892, OMIM 263400.
Von Hippel-Lindau syndrome (VHLS). Also called: VHL syndrome; von Hippel–Lindau syndrome; Von Hippel-Lindau. Identifiers: Orphanet 892, MedGen C0019562, MONDO:0008667, OMIM 193300. Disease mechanism: loss of function.

Submission:

Labcorp Genetics (formerly Invitae), Labcorp
Classification: Uncertain significance for Von Hippel-Lindau syndrome; Chuvash polycythemia. Last evaluated: 2025-07-22. Review status: criteria provided, single submitter. Criteria: Invitae Variant Classification Sherloc (09022015). Collection method: clinical testing. Allele origin: germline.
Comment: This sequence change falls in intron 1 of the VHL gene. It is not expected to change the encoded amino acid sequence of the VHL protein. However, this sequence change falls within a cryptic exon in the VHL gene, known as exon E1’, which is naturally expressed at low levels in several human tissues (PMID: 29891534). This variant is not present in population databases (gnomAD no frequency). This variant has not been reported in the literature in individuals affected with VHL-related conditions. ClinVar contains an entry for this variant (Variation ID: 1010269). Studies have shown that this variant is associated with inconclusive levels of altered splicing (internal data). In summary, the available evidence is currently insufficient to determine the role of this variant in disease. Therefore, it has been classified as a Variant of Uncertain Significance.

Literature cited by the submitters: PubMed 29891534.